The following is an entry in ClinVar:

NM_000179.3(MSH6):c.1612T>C (p.Tyr538His)

Gene: MSH6 (mutS homolog 6; plus strand). Cytogenetic location: 2p16.3.
Variant type: single nucleotide variant.
Coding change: c.1612T>C on transcript NM_000179.3 (MANE Select); coding-DNA position 1612, T replaced by C.
Protein change: p.Tyr538His; replaces tyrosine 538 with histidine.
Molecular consequence: missense variant.
Genome position (GRCh38, 1-based): chr2:47,799,595, T>C. VCF-style: chr2-47799595-T-C. GRCh37 (hg19) VCF-style: chr2-48026734-T-C.
Other names: c.1222T>C, p.Tyr408His (NM_001281492.2); c.706T>C, p.Tyr236His (NM_001281493.2, NM_001281494.2); short protein forms Y236H, Y408H, Y538H.
Identifiers: ClinVar variation 1394655 (VCV001394655.8), dbSNP rs1365012099, ClinGen allele CA346747027.
Genomic context (GRCh38, chr2:47,799,595, plus strand): 5'-ACCAAGGGTACACAGACTTACAGTGTGCTGGAAGGTGATCCCTCTGAGAACTACAGTAAG[T>C]ATCTTCTTAGCCTCAAAGAAAAAGAGGAAGATTCTTCTGGCCATACTCGTGCATATGGTG-3'
Protein context (NP_000170.1, residues 528-548): EGDPSENYSK[Tyr538His]LLSLKEKEED

ClinVar aggregate classification (germline): Uncertain significance (1 of 4 stars; one submission).

Conditions:
Hereditary nonpolyposis colorectal neoplasms. Identifiers: MedGen C0009405, MeSH D003123.

Allele frequency attached by ClinVar (database versions not stated): gnomAD exomes below 0.00001.
gnomAD v4.1: 1 of 1,614,194 alleles (0.000062%); highest among the groups gnomAD compares: Non-Finnish European, 0.000085%; no homozygotes.

Submission:

Labcorp Genetics (formerly Invitae), Labcorp
Classification: Uncertain significance for Hereditary nonpolyposis colorectal neoplasms. Last evaluated: 2022-06-23. Review status: criteria provided, single submitter. Criteria: Invitae Variant Classification Sherloc (09022015). Collection method: clinical testing. Allele origin: germline.
Comment: This sequence change replaces tyrosine, which is neutral and polar, with histidine, which is basic and polar, at codon 538 of the MSH6 protein (p.Tyr538His). This variant is present in population databases (no rsID available, gnomAD 0.0009%). This variant has not been reported in the literature in individuals affected with MSH6-related conditions. In summary, the available evidence is currently insufficient to determine the role of this variant in disease. Therefore, it has been classified as a Variant of Uncertain Significance. Advanced modeling of protein sequence and biophysical properties (such as structural, functional, and spatial information, amino acid conservation, physicochemical variation, residue mobility, and thermodynamic stability) performed at Invitae indicates that this missense variant is not expected to disrupt MSH6 protein function.